The following is an entry in ClinVar:

NM_005445.4(SMC3):c.263G>A (p.Arg88Gln)

Gene: SMC3 (structural maintenance of chromosomes 3; plus strand). Cytogenetic location: 10q25.2.
Variant type: single nucleotide variant.
Coding change: c.263G>A on transcript NM_005445.4 (MANE Select); coding-DNA position 263, G replaced by A.
Protein change: p.Arg88Gln; replaces arginine 88 with glutamine.
Molecular consequence: missense variant.
Genome position (GRCh38, 1-based): chr10:110,577,485, G>A. VCF-style: chr10-110577485-G-A. GRCh37 (hg19) VCF-style: chr10-112337243-G-A.
Other names: short protein forms R88Q.
Identifiers: ClinVar variation 2716384 (VCV002716384.3), dbSNP rs2493105845, ClinGen allele CA378372033.

ClinVar aggregate classification (germline): Uncertain significance (1 of 4 stars; one submission).

Conditions:
Cornelia de Lange syndrome 3 (CDLS3). Also called: SMC3-Related Cornelia de Lange Syndrome; CORNELIA DE LANGE SYNDROME 3 WITH OR WITHOUT MIDLINE BRAIN DEFECTS. Identifiers: Orphanet 199, MedGen C1853099, MONDO:0012555, OMIM 610759.

Allele frequency attached by ClinVar (database versions not stated): gnomAD exomes below 0.00001.

Submission:

Labcorp Genetics (formerly Invitae), Labcorp
Classification: Uncertain significance for Cornelia de Lange syndrome 3. Last evaluated: 2023-06-15. Review status: criteria provided, single submitter. Criteria: Invitae Variant Classification Sherloc (09022015). Collection method: clinical testing. Allele origin: germline.
Comment: This sequence change replaces arginine, which is basic and polar, with glutamine, which is neutral and polar, at codon 88 of the SMC3 protein (p.Arg88Gln). This variant is not present in population databases (gnomAD no frequency). This variant has not been reported in the literature in individuals affected with SMC3-related conditions. Advanced modeling of protein sequence and biophysical properties (such as structural, functional, and spatial information, amino acid conservation, physicochemical variation, residue mobility, and thermodynamic stability) has been performed at Invitae for this missense variant, however the output from this modeling did not meet the statistical confidence thresholds required to predict the impact of this variant on SMC3 protein function. In summary, the available evidence is currently insufficient to determine the role of this variant in disease. Therefore, it has been classified as a Variant of Uncertain Significance.